The following is an entry in ClinVar:

ClinVar aggregate classification (germline): Uncertain significance (1 of 4 stars; one submission).

Conditions:
Propionic acidemia (PROP). Also called: GLYCINEMIA, KETOTIC; HYPERGLYCINEMIA WITH KETOACIDOSIS AND LEUKOPENIA; KETOTIC HYPERGLYCINEMIA. Identifiers: Orphanet 35, MedGen C0268579, MONDO:0011628, OMIM 606054, HP:0003571.

Allele frequency attached by ClinVar (database versions not stated): gnomAD exomes below 0.00001; TOPMed below 0.00001; ExAC 0.00001; gnomAD 0.00001.
gnomAD v4.1: 3 of 1,613,350 alleles (0.00019%); highest among the groups gnomAD compares: Admixed American, 0.0017%; no homozygotes.

Submission:

Labcorp Genetics (formerly Invitae), Labcorp
Classification: Uncertain significance for Propionic acidemia. Last evaluated: 2022-05-05. Review status: criteria provided, single submitter. Criteria: Invitae Variant Classification Sherloc (09022015). Collection method: clinical testing. Allele origin: germline.
Comment: In summary, the available evidence is currently insufficient to determine the role of this variant in disease. Therefore, it has been classified as a Variant of Uncertain Significance. Advanced modeling of protein sequence and biophysical properties (such as structural, functional, and spatial information, amino acid conservation, physicochemical variation, residue mobility, and thermodynamic stability) performed at Invitae indicates that this missense variant is expected to disrupt PCCA protein function. This variant has not been reported in the literature in individuals affected with PCCA-related conditions. This variant is present in population databases (rs750593565, gnomAD 0.003%). This sequence change replaces methionine, which is neutral and non-polar, with threonine, which is neutral and polar, at codon 217 of the PCCA protein (p.Met217Thr).

NM_000282.4(PCCA):c.650T>C (p.Met217Thr)

Gene: PCCA (propionyl-CoA carboxylase subunit alpha; plus strand). Cytogenetic location: 13q32.3.
Variant type: single nucleotide variant.
Coding change: c.650T>C on transcript NM_000282.4 (MANE Select); coding-DNA position 650, T replaced by C.
Protein change: p.Met217Thr; replaces methionine 217 with threonine.
Molecular consequence: missense variant. On other transcripts: non-coding transcript variant (5), intron variant (3).
Genome position (GRCh38, 1-based): chr13:100,257,607, T>C. VCF-style: chr13-100257607-T-C. GRCh37 (hg19) VCF-style: chr13-100909861-T-C.
Other names: c.572T>C, p.Met191Thr (NM_001127692.3, NM_001352607.2, NM_001352608.2); c.650T>C, p.Met217Thr (NM_001178004.2, NM_001352605.2, NM_001352606.2 and 1 more transcripts); c.-229-5122T>C (NM_001352610.2, NM_001352611.2, NM_001352612.2); short protein forms M217T, M191T.
Identifiers: ClinVar variation 1502265 (VCV001502265.6), dbSNP rs750593565, ClinGen allele CA7033325.